The following is an entry in ClinVar:

ClinVar aggregate classification (germline): Pathogenic (1 of 4 stars; one submission).

Conditions:
Neurofibromatosis, type 1 (NF1). Also called: Peripheral type neurofibromatosis; VON RECKLINGHAUSEN DISEASE; Neurofibromatosis, type I; NEUROFIBROMATOSIS, TYPE I, SOMATIC. Identifiers: Orphanet 636, MedGen C0027831, MONDO:0018975, OMIM 162200. Disease mechanism: loss of function.

Submission:

Labcorp Genetics (formerly Invitae), Labcorp
Classification: Pathogenic for Neurofibromatosis, type 1. Last evaluated: 2024-04-02. Review status: criteria provided, single submitter. Criteria: Invitae Variant Classification Sherloc (09022015). Collection method: clinical testing. Allele origin: germline.
Comment: This sequence change creates a premature translational stop signal (p.Gly1977*) in the NF1 gene. It is expected to result in an absent or disrupted protein product. Loss-of-function variants in NF1 are known to be pathogenic (PMID: 10712197, 23913538). This variant is not present in population databases (gnomAD no frequency). This variant has not been reported in the literature in individuals affected with NF1-related conditions. For these reasons, this variant has been classified as Pathogenic.

Literature cited by the submitters: PubMed 10712197; PubMed 23913538.

NM_001042492.3(NF1):c.5992G>T (p.Gly1998Ter)

Gene: NF1 (neurofibromin 1; plus strand). Cytogenetic location: 17q11.2.
Variant type: single nucleotide variant.
Coding change: c.5992G>T on transcript NM_001042492.3 (MANE Select); coding-DNA position 5992, G replaced by T.
Protein change: p.Gly1998Ter; replaces glycine 1998 with a stop codon.
Molecular consequence: nonsense.
Genome position (GRCh38, 1-based): chr17:31,335,017, G>T. VCF-style: chr17-31335017-G-T. GRCh37 (hg19) VCF-style: chr17-29662035-G-T.
Other names: c.5929G>T, p.Gly1977Ter (NM_000267.4); short protein forms G1998*, G1977*.
Identifiers: ClinVar variation 3648424 (VCV003648424.2).